The following is an entry in ClinVar:

NM_004593.3(TRA2B):c.59G>C (p.Ser20Thr)

Gene: TRA2B (transformer 2 beta homolog; minus strand). Cytogenetic location: 3q27.2.
Variant type: single nucleotide variant.
Coding change: c.59G>C on transcript NM_004593.3 (MANE Select); coding-DNA position 59, G replaced by C.
Protein change: p.Ser20Thr; replaces serine 20 with threonine.
Molecular consequence: missense variant. On other transcripts: intron variant (1).
Genome position (GRCh38, 1-based): chr3:185,926,712, C>G on the plus strand (G>C on the coding strand, the complement: TRA2B is on the minus strand). VCF-style: chr3-185926712-C-G. GRCh37 (hg19) VCF-style: chr3-185644500-C-G.
Other names: c.-130-1086G>C (NM_001243879.2); short protein forms S20T.
Identifiers: ClinVar variation 3572827 (VCV003572827.2).
Genomic context (GRCh38, chr3:185,926,712, plus strand): 5'-TTGGAGCGAGACCTTGCAGGGGTATGCCTTGCAGATTTCCCCGATCCGTGAGCACTTCCA[C>G]TTCTGGAAGCAGAACGGGATTCCTACACGTAGATGTTAAAAGTTTAATTTGCACACTTTC-3'
Protein context (NP_004584.1, residues 10-30): GERESRSASR[Ser20Thr]GSAHGSGKSA

ClinVar aggregate classification (germline): Likely benign (1 of 4 stars; one submission).

Submission:

GeneDx
Classification: Likely benign. Last evaluated: 2025-10-30. Review status: criteria provided, single submitter. Criteria: GeneDx Variant Classification Process June 2021. Collection method: clinical testing. Allele origin: germline.
Comment: See Variant Classification Assertion Criteria.